The following is an entry in ClinVar:

NM_005560.6(LAMA5):c.9730C>G (p.Leu3244Val)

Gene: LAMA5 (laminin subunit alpha 5; minus strand). Cytogenetic location: 20q13.33.
Variant type: single nucleotide variant.
Coding change: c.9730C>G on transcript NM_005560.6 (MANE Select); coding-DNA position 9730, C replaced by G.
Protein change: p.Leu3244Val; replaces leucine 3244 with valine.
Molecular consequence: missense variant.
Genome position (GRCh38, 1-based): chr20:62,311,690, G>C on the plus strand (C>G on the coding strand, the complement: LAMA5 is on the minus strand). VCF-style: chr20-62311690-G-C. GRCh37 (hg19) VCF-style: chr20-60886746-G-C.
Other names: short protein forms L3244V.
Identifiers: ClinVar variation 1921027 (VCV001921027.5), dbSNP rs1369710051, ClinGen allele CA409539498.

ClinVar aggregate classification (germline): Uncertain significance (1 of 4 stars; one submission).

Allele frequency attached by ClinVar (database versions not stated): TOPMed below 0.00001.
gnomAD v4.1: 2 of 1,580,764 alleles (0.00013%); highest among the groups gnomAD compares: Admixed American, 0.0037%; no homozygotes.

Submission:

Labcorp Genetics (formerly Invitae), Labcorp
Classification: Uncertain significance. Last evaluated: 2022-04-22. Review status: criteria provided, single submitter. Criteria: Invitae Variant Classification Sherloc (09022015). Collection method: clinical testing. Allele origin: germline.
Comment: In summary, the available evidence is currently insufficient to determine the role of this variant in disease. Therefore, it has been classified as a Variant of Uncertain Significance. Algorithms developed to predict the effect of missense changes on protein structure and function (SIFT, PolyPhen-2, Align-GVGD) all suggest that this variant is likely to be tolerated. This variant has not been reported in the literature in individuals affected with LAMA5-related conditions. This variant is present in population databases (no rsID available, gnomAD 0.007%). This sequence change replaces leucine, which is neutral and non-polar, with valine, which is neutral and non-polar, at codon 3244 of the LAMA5 protein (p.Leu3244Val).